The following is an entry in ClinVar:

ClinVar aggregate classification (germline): Likely benign. Review status: criteria provided, multiple submitters, no conflicts (2 of 4 stars). 2 submissions from 2 submitters: Likely benign (2). Last evaluated 2024-11-08.

Conditions:
Renal cell carcinoma. Identifiers: Orphanet 217071, MedGen C0007134, MeSH D002292, MONDO:0005086, HP:0005584.
Papillary renal cell carcinoma type 1 (RCCP1). Also called: RENAL CELL CARCINOMA, PAPILLARY, 1, SOMATIC; Renal adenocarcinoma; Renal cell carcinoma 1; Renal cell carcinoma, somatic. Identifiers: Orphanet 47044, MedGen C1336839, OMIM 605074, HP:0011797.

Allele frequency attached by ClinVar (database versions not stated): ExAC 0.00001; gnomAD exomes 0.00001; gnomAD 0.00003 and 0.00004; TOPMed 0.00003.
gnomAD v4.1: 7 of 1,611,774 alleles (0.00043%); highest among the groups gnomAD compares: African/African-American, 0.0094%; no homozygotes.

Submissions (2):

Myriad Genetics, Inc.
Classification: Likely benign for Papillary renal cell carcinoma type 1. Last evaluated: 2024-11-08. Review status: criteria provided, single submitter. Criteria: Myriad Autosomal Dominant, Autosomal Recessive and X-Linked Classification Criteria (2023). Collection method: clinical testing. Allele origin: unknown.
Comment: This variant is considered likely benign. This variant is intronic and is not expected to impact mRNA splicing.

Labcorp Genetics (formerly Invitae), Labcorp
Classification: Likely benign for Renal cell carcinoma. Last evaluated: 2024-06-12. Review status: criteria provided, single submitter. Criteria: Invitae Variant Classification Sherloc (09022015). Collection method: clinical testing. Allele origin: germline.

NM_000245.4(MET):c.1863-10T>C

Gene: MET (MET proto-oncogene, receptor tyrosine kinase; plus strand). Cytogenetic location: 7q31.2.
Variant type: single nucleotide variant.
Coding change: c.1863-10T>C on transcript NM_000245.4 (MANE Select); 10 bases into the intron before coding-DNA position 1863, T replaced by C.
Molecular consequence: intron variant.
Genome position (GRCh38, 1-based): chr7:116,757,427, T>C. VCF-style: chr7-116757427-T-C. GRCh37 (hg19) VCF-style: chr7-116397481-T-C.
Other names: c.1863-10T>C (NM_001127500.3, NM_001324401.3); c.573-10T>C (NM_001324402.2).
Identifiers: ClinVar variation 1536111 (VCV001536111.9), dbSNP rs758048261, ClinGen allele CA4448309.